The following is an entry in ClinVar:

NM_007348.4(ATF6):c.840C>G (p.Ser280Arg)

Gene: ATF6 (activating transcription factor 6; plus strand). Cytogenetic location: 1q23.3.
Variant type: single nucleotide variant.
Coding change: c.840C>G on transcript NM_007348.4 (MANE Select); coding-DNA position 840, C replaced by G.
Protein change: p.Ser280Arg; replaces serine 280 with arginine.
Molecular consequence: missense variant.
Genome position (GRCh38, 1-based): chr1:161,802,203, C>G. VCF-style: chr1-161802203-C-G. GRCh37 (hg19) VCF-style: chr1-161771993-C-G.
Other names: short protein forms S280R.
Identifiers: ClinVar variation 1382765 (VCV001382765.8), dbSNP rs534635340, ClinGen allele CA31741269.

ClinVar aggregate classification (germline): Uncertain significance (1 of 4 stars; one submission).

gnomAD v4.1: 1 of 1,614,022 alleles (0.000062%); highest among the groups gnomAD compares: African/African-American, 0.0013%; no homozygotes.

Submission:

Labcorp Genetics (formerly Invitae), Labcorp
Classification: Uncertain significance. Last evaluated: 2021-03-28. Review status: criteria provided, single submitter. Criteria: Invitae Variant Classification Sherloc (09022015). Collection method: clinical testing. Allele origin: germline.
Comment: Algorithms developed to predict the effect of missense changes on protein structure and function (SIFT, PolyPhen-2, Align-GVGD) all suggest that this variant is likely to be tolerated, but these predictions have not been confirmed by published functional studies and their clinical significance is uncertain. In summary, the available evidence is currently insufficient to determine the role of this variant in disease. Therefore, it has been classified as a Variant of Uncertain Significance. This sequence change replaces serine with arginine at codon 280 of the ATF6 protein (p.Ser280Arg). The serine residue is moderately conserved and there is a moderate physicochemical difference between serine and arginine. This variant is not present in population databases (ExAC no frequency). This variant has not been reported in the literature in individuals with ATF6-related conditions.